The following is an entry in ClinVar:

NM_002439.5(MSH3):c.1499_1502dup (p.Ser502fs)

Gene: MSH3 (mutS homolog 3; plus strand). Cytogenetic location: 5q14.1.
Variant type: Duplication.
Coding change: c.1499_1502dup on transcript NM_002439.5 (MANE Select); coding-DNA positions 1499 to 1502, 4 bases duplicated (TTTG; older notation c.1499_1502dupTTTG).
Protein change: p.Ser502fs; shifts the reading frame from serine 502.
Molecular consequence: frameshift variant.
Genome position (GRCh38, 1-based): chr5:80,728,896-80,728,899, TTTG duplicated. VCF-style (leftmost placement, unchanged base first): chr5-80728895-A-ATTTG. GRCh37 (hg19) VCF-style: chr5-80024714-A-ATTTG.
Other names: short protein forms S502fs.
Identifiers: ClinVar variation 847584 (VCV000847584.13), dbSNP rs1743353294, ClinGen allele CA916082728.

ClinVar aggregate classification (germline): Pathogenic/Likely pathogenic. Review status: criteria provided, multiple submitters, no conflicts (2 of 4 stars). 4 submissions from 4 submitters: Pathogenic (3); Likely pathogenic (1). Last evaluated 2025-12-01.

Conditions:
Hereditary cancer-predisposing syndrome. Also called: Tumor predisposition; Hereditary neoplastic syndrome; Neoplastic Syndromes, Hereditary; Hereditary Cancer Syndrome. Identifiers: Orphanet 140162, MedGen C0027672, MeSH D009386, MONDO:0015356.
Endometrial carcinoma. Also called: Endometrial carcinoma, somatic. Identifiers: MedGen C0476089, MONDO:0002447, OMIM 608089, HP:0012114.
Familial adenomatous polyposis 4 (FAP4). Also called: MSH3-related attenuated familial adenomatous polyposis. Identifiers: Orphanet 480536, MedGen C4310719, MONDO:0044300, OMIM 617100.

Allele frequency attached by ClinVar (database versions not stated): TOPMed below 0.00001.

Submissions (4):

Ambry Genetics
Classification: Pathogenic for Hereditary cancer-predisposing syndrome. Last evaluated: 2025-12-01. Review status: criteria provided, single submitter. Criteria: Ambry Variant Classification Scheme 2023. Collection method: clinical testing. Allele origin: germline.
Comment: The c.1499_1502dupTTTG pathogenic mutation, located in coding exon 10 of the MSH3 gene, results from a duplication of TTTG at nucleotide position 1499, causing a translational frameshift with a predicted alternate stop codon (p.S502Lfs*23). This variant is considered to be rare based on population cohorts in the Genome Aggregation Database (gnomAD). This alteration is expected to result in loss of function by premature protein truncation or nonsense-mediated mRNA decay. As such, this alteration is interpreted as a disease-causing mutation.

Labcorp Genetics (formerly Invitae), Labcorp
Classification: Pathogenic. Last evaluated: 2025-11-19. Review status: criteria provided, single submitter. Criteria: Invitae Variant Classification Sherloc (09022015). Collection method: clinical testing. Allele origin: germline.
Comment: This sequence change creates a premature translational stop signal (p.Ser502Leufs*23) in the MSH3 gene. It is expected to result in an absent or disrupted protein product. Loss-of-function variants in MSH3 are known to be pathogenic (PMID: 27476653, 37402566). This variant is not present in population databases (gnomAD no frequency). This variant has not been reported in the literature in individuals affected with MSH3-related conditions. ClinVar contains an entry for this variant (Variation ID: 847584). For these reasons, this variant has been classified as Pathogenic.

Myriad Genetics, Inc.
Classification: Pathogenic for Familial adenomatous polyposis 4. Last evaluated: 2023-08-30. Review status: criteria provided, single submitter. Criteria: Myriad Autosomal Dominant, Autosomal Recessive and X-Linked Classification Criteria (2023). Collection method: clinical testing. Allele origin: unknown.
Comment: This variant is considered pathogenic. This variant creates a frameshift predicted to result in premature protein truncation.

Baylor Genetics
Classification: Likely pathogenic for Endometrial carcinoma. Last evaluated: 2022-07-27. Review status: criteria provided, single submitter. Criteria: ACMG Guidelines, 2015. Collection method: clinical testing. Allele origin: unknown.

Literature cited by the submitters: PubMed 27476653 (cited by Labcorp Genetics (formerly Invitae), Labcorp); PubMed 37402566 (cited by Labcorp Genetics (formerly Invitae), Labcorp).